The following is an entry in ClinVar:

NM_003105.6(SORL1):c.4680T>G (p.Asn1560Lys)

Gene: SORL1 (sortilin related receptor 1; plus strand). Cytogenetic location: 11q24.1.
Variant type: single nucleotide variant.
Coding change: c.4680T>G on transcript NM_003105.6 (MANE Select); coding-DNA position 4680, T replaced by G.
Protein change: p.Asn1560Lys; replaces asparagine 1560 with lysine.
Molecular consequence: missense variant.
Genome position (GRCh38, 1-based): chr11:121,605,141, T>G. VCF-style: chr11-121605141-T-G. GRCh37 (hg19) VCF-style: chr11-121475850-T-G.
Other names: short protein forms N1560K.
Identifiers: ClinVar variation 2599008 (VCV002599008.5), dbSNP rs746862629, ClinGen allele CA6329727.

ClinVar aggregate classification (germline): Uncertain significance. Review status: criteria provided, multiple submitters, no conflicts (2 of 4 stars). 3 submissions from 3 submitters: Uncertain significance (3). Last evaluated 2025-12-22.

Allele frequency attached by ClinVar (database versions not stated): ExAC 0.00015; gnomAD exomes 0.00007.
gnomAD v4.1: 120 of 1,613,136 alleles (0.0074%); highest among the groups gnomAD compares: Non-Finnish European, 0.0084%; no homozygotes.

Submissions (3):

Labcorp Genetics (formerly Invitae), Labcorp
Classification: Uncertain significance. Last evaluated: 2025-12-22. Review status: criteria provided, single submitter. Criteria: Invitae Variant Classification Sherloc (09022015). Collection method: clinical testing. Allele origin: germline.
Comment: This sequence change replaces asparagine, which is neutral and polar, with lysine, which is basic and polar, at codon 1560 of the SORL1 protein (p.Asn1560Lys). This variant is present in population databases (rs746862629, gnomAD 0.02%). This variant has not been reported in the literature in individuals affected with SORL1-related conditions. ClinVar contains an entry for this variant (Variation ID: 2599008). An algorithm developed to predict the effect of missense changes on protein structure and function (PolyPhen-2) suggests that this variant is likely to be disruptive. In summary, the available evidence is currently insufficient to determine the role of this variant in disease. Therefore, it has been classified as a Variant of Uncertain Significance.

Ambry Genetics
Classification: Uncertain significance. Last evaluated: 2023-08-28. Review status: criteria provided, single submitter. Criteria: Ambry Variant Classification Scheme 2023. Collection method: clinical testing. Allele origin: germline.

Clinical Genetics Laboratory, Skane University Hospital Lund
Classification: Uncertain significance. Last evaluated: 2022-05-27. Review status: criteria provided, single submitter. Criteria: ACMG Guidelines, 2015. Collection method: clinical testing. Allele origin: germline. Affected: yes.